The following is an entry in ClinVar:

ClinVar aggregate classification (germline): Uncertain significance (1 of 4 stars; one submission).

Conditions:
Autosomal dominant spastic paraplegia type 9. Identifiers: MedGen C1832669, MONDO:0015091.
de Barsy syndrome. Also called: Cutis laxa-corneal clouding-oligophrenia syndrome. Identifiers: Orphanet 2962, MedGen C0268354, MONDO:0017569.
Cutis laxa, autosomal dominant 3 (ADCL3). Identifiers: Orphanet 90348, MedGen C4225268, MONDO:0014706, OMIM 616603.

Allele frequency attached by ClinVar (database versions not stated): gnomAD exomes below 0.00001.
gnomAD v4.1: 9 of 1,613,858 alleles (0.00056%); highest among the groups gnomAD compares: African/African-American, 0.004%; no homozygotes.

Submission:

Labcorp Genetics (formerly Invitae), Labcorp
Classification: Uncertain significance for Autosomal dominant spastic paraplegia type 9; de Barsy syndrome; Cutis laxa, autosomal dominant 3. Last evaluated: 2024-06-23. Review status: criteria provided, single submitter. Criteria: Invitae Variant Classification Sherloc (09022015). Collection method: clinical testing. Allele origin: germline.
Comment: This sequence change replaces glutamine, which is neutral and polar, with glutamic acid, which is acidic and polar, at codon 384 of the ALDH18A1 protein (p.Gln384Glu). This variant is not present in population databases (gnomAD no frequency). This variant has not been reported in the literature in individuals affected with ALDH18A1-related conditions. An algorithm developed to predict the effect of missense changes on protein structure and function (PolyPhen-2) suggests that this variant is likely to be tolerated. In summary, the available evidence is currently insufficient to determine the role of this variant in disease. Therefore, it has been classified as a Variant of Uncertain Significance.

NM_002860.4(ALDH18A1):c.1150C>G (p.Gln384Glu)

Gene: ALDH18A1 (aldehyde dehydrogenase 18 family member A1; minus strand). Cytogenetic location: 10q24.1.
Variant type: single nucleotide variant.
Coding change: c.1150C>G on transcript NM_002860.4 (MANE Select); coding-DNA position 1150, C replaced by G.
Protein change: p.Gln384Glu; replaces glutamine 384 with glutamic acid.
Molecular consequence: missense variant.
Genome position (GRCh38, 1-based): chr10:95,626,705, G>C on the plus strand (C>G on the coding strand, the complement: ALDH18A1 is on the minus strand). VCF-style: chr10-95626705-G-C. GRCh37 (hg19) VCF-style: chr10-97386462-G-C.
Other names: c.1144C>G, p.Gln382Glu (NM_001017423.2, NM_001323415.2); c.817C>G, p.Gln273Glu (NM_001323412.2, NM_001323416.2); c.1150C>G, p.Gln384Glu (NM_001323413.2, NM_001323414.2); c.1045C>G, p.Gln349Glu (NM_001323417.2); c.811C>G, p.Gln271Glu (NM_001323418.2); c.514C>G, p.Gln172Glu (NM_001323419.2); short protein forms Q273E, Q349E, Q271E, Q382E, Q172E, Q384E.
Identifiers: ClinVar variation 2927718 (VCV002927718.3), dbSNP rs2097860884, ClinGen allele CA377702900.